The following is an entry in ClinVar:

NC_000023.10:g.(?_153762230)_(153775961_?)dup

Genes: G6PD (glucose-6-phosphate dehydrogenase; minus strand), IKBKG (inhibitor of nuclear factor kappa B kinase regulatory subunit gamma; plus strand). Cytogenetic location: Xq28.
Variant type: Duplication.
Identifiers: ClinVar variation 2423564 (VCV002423564.4).

ClinVar aggregate classification (germline): Uncertain significance (1 of 4 stars; one submission).

Conditions:
Anemia, nonspherocytic hemolytic, due to G6PD deficiency (CNSHA1). Also called: Hemolytic anemia due to G6PD deficiency; Class I glucose-6-phosphate dehydrogenase deficiency; Favism, susceptibility to; ANEMIA, CONGENITAL, NONSPHEROCYTIC HEMOLYTIC, 1. Identifiers: Orphanet 466026, MedGen C2720289, MONDO:0010480, OMIM 300908.

Submission:

Labcorp Genetics (formerly Invitae), Labcorp
Classification: Uncertain significance for Anemia, nonspherocytic hemolytic, due to G6PD deficiency. Last evaluated: 2022-01-18. Review status: criteria provided, single submitter. Criteria: Invitae Variant Classification Sherloc (09022015). Collection method: clinical testing. Allele origin: germline.
Comment: This variant results in a copy number gain of the genomic region encompassing exon(s) 1-7 of the G6PD gene. This region includes the initiator codon of the gene. This copy number gain extends beyond the assayed region for this gene and therefore may encompass additional genes. As the precise location of this event is unknown, it may be in tandem or it may be located elsewhere in the genome. This variant has not been reported in the literature in individuals affected with G6PD-related conditions. Experimental studies and prediction algorithms are not available or were not evaluated, and the functional significance of this variant is currently unknown. In summary, the available evidence is currently insufficient to determine the role of this variant in disease. Therefore, it has been classified as a Variant of Uncertain Significance.